The following is an entry in ClinVar:

NM_018129.4(PNPO):c.226G>A (p.Gly76Arg)

Gene: PNPO (pyridoxamine 5'-phosphate oxidase; plus strand). Cytogenetic location: 17q21.32.
Variant type: single nucleotide variant.
Coding change: c.226G>A on transcript NM_018129.4 (MANE Select); coding-DNA position 226, G replaced by A.
Protein change: p.Gly76Arg; replaces glycine 76 with arginine.
Molecular consequence: missense variant.
Genome position (GRCh38, 1-based): chr17:47,943,393, G>A. VCF-style: chr17-47943393-G-A. GRCh37 (hg19) VCF-style: chr17-46020759-G-A.
Other names: short protein forms G76R.
Identifiers: ClinVar variation 571195 (VCV000571195.9), dbSNP rs370329917, ClinGen allele CA291294359.

ClinVar aggregate classification (germline): Uncertain significance. Review status: criteria provided, multiple submitters, no conflicts (2 of 4 stars). 2 submissions from 2 submitters: Uncertain significance (2). Last evaluated 2025-01-20.

Conditions:
Pyridoxal phosphate-responsive seizures (PNPOD). Also called: EPILEPTIC ENCEPHALOPATHY, NEONATAL, PNPO-RELATED; SEIZURES, PYRIDOXINE-RESISTANT, PLP-SENSITIVE; Pyridoxal 5'-Phosphate (PLP)-Dependent Epilepsy; Pyridoxamine 5-Prime-Phosphate Oxidase Deficiency; Pyridoxine-5'-phosphate oxidase deficiency. Identifiers: Orphanet 79096, MedGen C1864723, MONDO:0012407, OMIM 610090. Disease mechanism: loss of function.

Allele frequency attached by ClinVar (database versions not stated): TOPMed 0.00001; ESP Exome Variant Server 0.00008.

Submissions (2):

Labcorp Genetics (formerly Invitae), Labcorp
Classification: Uncertain significance for Pyridoxal phosphate-responsive seizures. Last evaluated: 2025-01-20. Review status: criteria provided, single submitter. Criteria: Invitae Variant Classification Sherloc (09022015). Collection method: clinical testing. Allele origin: germline.
Comment: This sequence change replaces glycine, which is neutral and non-polar, with arginine, which is basic and polar, at codon 76 of the PNPO protein (p.Gly76Arg). This variant is not present in population databases (gnomAD no frequency). This variant has not been reported in the literature in individuals affected with PNPO-related conditions. ClinVar contains an entry for this variant (Variation ID: 571195). Invitae Evidence Modeling of protein sequence and biophysical properties (such as structural, functional, and spatial information, amino acid conservation, physicochemical variation, residue mobility, and thermodynamic stability) indicates that this missense variant is not expected to disrupt PNPO protein function with a negative predictive value of 80%. In summary, the available evidence is currently insufficient to determine the role of this variant in disease. Therefore, it has been classified as a Variant of Uncertain Significance.

GeneDx
Classification: Uncertain significance. Last evaluated: 2024-05-25. Review status: criteria provided, single submitter. Criteria: GeneDx Variant Classification Process June 2021. Collection method: clinical testing. Allele origin: germline. Affected: yes.
Comment: Not observed at significant frequency in large population cohorts (gnomAD); In silico analysis indicates that this missense variant does not alter protein structure/function; Has not been previously published as pathogenic or benign to our knowledge